The following is an entry in ClinVar:

NM_001379500.1(COL18A1):c.1488del (p.Gly497fs)

Gene: COL18A1 (collagen type XVIII alpha 1 chain; plus strand). Cytogenetic location: 21q22.3.
Variant type: Deletion.
Coding change: c.1488del on transcript NM_001379500.1 (MANE Select); coding-DNA position 1488, one base deleted (C; older notation c.1488delC).
Protein change: p.Gly497fs; shifts the reading frame from glycine 497.
Molecular consequence: frameshift variant.
Genome position (GRCh38, 1-based): chr21:45,480,735, C deleted; the last of 6 consecutive C bases (chr21:45,480,730-45,480,735); deleting any one gives the same sequence. VCF-style (leftmost placement, unchanged base first): chr21-45480729-AC-A. GRCh37 (hg19) VCF-style: chr21-46900643-AC-A.
Other names: c.2028del, p.Gly677fs (NM_030582.4); c.2733del, p.Gly912fs (NM_130444.3); short protein forms G677fs, G912fs, G497fs.
Identifiers: ClinVar variation 1354320 (VCV001354320.6), dbSNP rs2145937523, ClinGen allele CA638168003.

ClinVar aggregate classification (germline): Pathogenic (1 of 4 stars; one submission).

Submission:

Labcorp Genetics (formerly Invitae), Labcorp
Classification: Pathogenic. Last evaluated: 2021-04-14. Review status: criteria provided, single submitter. Criteria: Invitae Variant Classification Sherloc (09022015). Collection method: clinical testing. Allele origin: germline.
Comment: This sequence change creates a premature translational stop signal (p.Gly497Valfs*14) in the COL18A1 gene. It is expected to result in an absent or disrupted protein product. Loss-of-function variants in COL18A1 are known to be pathogenic (PMID: 12415512, 25456301). For these reasons, this variant has been classified as Pathogenic. This variant has not been reported in the literature in individuals with COL18A1-related conditions. This variant is not present in population databases (ExAC no frequency).

Literature cited by the submitters: PubMed 12415512; PubMed 25456301.